The following is an entry in ClinVar:

NM_024642.5(GALNT12):c.1249C>T (p.Arg417Trp)

Gene: GALNT12 (polypeptide N-acetylgalactosaminyltransferase 12; plus strand). Cytogenetic location: 9q22.33.
Variant type: single nucleotide variant.
Coding change: c.1249C>T on transcript NM_024642.5 (MANE Select); coding-DNA position 1249, C replaced by T.
Protein change: p.Arg417Trp; replaces arginine 417 with tryptophan.
Molecular consequence: missense variant.
Genome position (GRCh38, 1-based): chr9:98,840,038, C>T. VCF-style: chr9-98840038-C-T. GRCh37 (hg19) VCF-style: chr9-101602320-C-T.
Other names: short protein forms R417W.
Identifiers: ClinVar variation 1348292 (VCV001348292.13), dbSNP rs766728145, ClinGen allele CA5154213.

ClinVar aggregate classification (germline): Uncertain significance. Review status: criteria provided, multiple submitters, no conflicts (2 of 4 stars). 4 submissions from 4 submitters: Uncertain significance (4). Last evaluated 2024-12-18.

Conditions:
Colorectal cancer, susceptibility to, 1. Also called: COLORECTAL ADENOMA AND CANCER, SUSCEPTIBILITY TO; COLORECTAL CANCER, SUSCEPTIBILITY TO, ON CHROMOSOME 9. Identifiers: MedGen C1837315, MONDO:0012132, OMIM 608812.

Allele frequency attached by ClinVar (database versions not stated): gnomAD 0.00001; TOPMed 0.00001; gnomAD exomes 0.00003 and 0.00006; ExAC 0.00006.
gnomAD v4.1: 38 of 1,613,980 alleles (0.0024%); highest among the groups gnomAD compares: East Asian, 0.011%; no homozygotes.

Submissions (4):

Labcorp Genetics (formerly Invitae), Labcorp
Classification: Uncertain significance. Last evaluated: 2024-12-18. Review status: criteria provided, single submitter. Criteria: Invitae Variant Classification Sherloc (09022015). Collection method: clinical testing. Allele origin: germline.
Comment: This sequence change replaces arginine, which is basic and polar, with tryptophan, which is neutral and slightly polar, at codon 417 of the GALNT12 protein (p.Arg417Trp). This variant is present in population databases (rs766728145, gnomAD 0.02%). This variant has not been reported in the literature in individuals affected with GALNT12-related conditions. ClinVar contains an entry for this variant (Variation ID: 1348292). Invitae Evidence Modeling of protein sequence and biophysical properties (such as structural, functional, and spatial information, amino acid conservation, physicochemical variation, residue mobility, and thermodynamic stability) indicates that this missense variant is expected to disrupt GALNT12 protein function with a positive predictive value of 80%. In summary, the available evidence is currently insufficient to determine the role of this variant in disease. Therefore, it has been classified as a Variant of Uncertain Significance.

Ambry Genetics
Classification: Uncertain significance. Last evaluated: 2024-04-27. Review status: criteria provided, single submitter. Criteria: Ambry Variant Classification Scheme 2023. Collection method: clinical testing. Allele origin: germline.
Comment: The p.R417W variant (also known as c.1249C>T), located in coding exon 7 of the GALNT12 gene, results from a C to T substitution at nucleotide position 1249. The arginine at codon 417 is replaced by tryptophan, an amino acid with dissimilar properties. This amino acid position is highly conserved in available vertebrate species. In addition, this alteration is predicted to be deleterious by in silico analysis. Since supporting evidence is limited at this time, the clinical significance of this alteration remains unclear.

Department of Pathology and Laboratory Medicine, Sinai Health System
Classification: Uncertain significance for Colorectal cancer, susceptibility to, 1. Last evaluated: 2023-11-23. Review status: criteria provided, single submitter. Criteria: ACMG Guidelines, 2015. Collection method: clinical testing. Allele origin: germline. Affected: yes.

Baylor Genetics
Classification: Uncertain significance for Colorectal cancer, susceptibility to, 1. Last evaluated: 2023-10-12. Review status: criteria provided, single submitter. Criteria: ACMG Guidelines, 2015. Collection method: clinical testing. Allele origin: unknown.